The following is an entry in ClinVar:

ClinVar aggregate classification (germline): Benign. Review status: criteria provided, multiple submitters, no conflicts (2 of 4 stars). 2 submissions from 2 submitters: Benign (2). Last evaluated 2018-06-16.

Allele frequency attached by ClinVar (database versions not stated): 1000 Genomes Project 0.01478; 1000 Genomes Project 30x 0.01562; gnomAD 0.01614 and 0.01728; TOPMed 0.01803.
gnomAD v4.1: 2,430 of 152,298 alleles (1.6%); highest among the groups gnomAD compares: African/African-American, 5.5%; 74 homozygotes.

Submissions (2):

GeneDx
Classification: Benign. Last evaluated: 2018-06-16. Review status: criteria provided, single submitter. Criteria: GeneDx Variant Classification (06012015). Collection method: clinical testing. Allele origin: germline. Affected: yes.
Comment: This variant is considered likely benign or benign based on one or more of the following criteria: it is a conservative change, it occurs at a poorly conserved position in the protein, it is predicted to be benign by multiple in silico algorithms, and/or has population frequency not consistent with disease.

Breakthrough Genomics
Classification: Benign. Review status: criteria provided, single submitter. Criteria: ACMG Guidelines, 2015. Collection method: not provided. Allele origin: germline. Inheritance: Autosomal dominant inheritance. Affected: yes.

NM_000069.3(CACNA1S):c.153-166G>A

Gene: CACNA1S (calcium voltage-gated channel subunit alpha1 S; minus strand). Cytogenetic location: 1q32.1.
Variant type: single nucleotide variant.
Coding change: c.153-166G>A on transcript NM_000069.3 (MANE Select); 166 bases into the intron before coding-DNA position 153, G replaced by A.
Molecular consequence: intron variant.
Genome position (GRCh38, 1-based): chr1:201,110,435, C>T on the plus strand (G>A on the coding strand, the complement: CACNA1S is on the minus strand). VCF-style: chr1-201110435-C-T. GRCh37 (hg19) VCF-style: chr1-201079563-C-T.
Identifiers: ClinVar variation 678675 (VCV000678675.2), dbSNP rs112775115, ClinGen allele CA36017001.
Genomic context (GRCh38, chr1:201,110,435, plus strand): 5'-TGCTGGACAGGCTCATGGACGCTCGCCCACGCTGCTCCTTCCCTGAGCCCCTGCAGGGTA[C>T]AGTGAGGACCAGGTTCCTGCCTTGACCTCTGGCTCCCTCTCCTCAGGAACAAGTCACTTT-3'